The following is an entry in ClinVar:

ClinVar aggregate classification (germline): Uncertain significance (1 of 4 stars; one submission).

Allele frequency attached by ClinVar (database versions not stated): gnomAD exomes 0.00002 and 0.00008; gnomAD 0.00019; TOPMed 0.00020.
gnomAD v4.1: 51 of 1,524,906 alleles (0.0033%); highest among the groups gnomAD compares: Admixed American, 0.087%; no homozygotes.

Submission:

Labcorp Genetics (formerly Invitae), Labcorp
Classification: Uncertain significance. Last evaluated: 2021-07-30. Review status: criteria provided, single submitter. Criteria: Invitae Variant Classification Sherloc (09022015). Collection method: clinical testing. Allele origin: germline.
Comment: This variant is not present in population databases (ExAC no frequency). In summary, the available evidence is currently insufficient to determine the role of this variant in disease. Therefore, it has been classified as a Variant of Uncertain Significance. Algorithms developed to predict the effect of missense changes on protein structure and function (SIFT, PolyPhen-2, Align-GVGD) all suggest that this variant is likely to be tolerated. This variant has not been reported in the literature in individuals affected with HHAT-related conditions. This sequence change replaces histidine with tyrosine at codon 343 of the HHAT protein (p.His343Tyr). The histidine residue is moderately conserved and there is a moderate physicochemical difference between histidine and tyrosine.

NM_018194.6(HHAT):c.1027C>T (p.His343Tyr)

Gene: HHAT (hedgehog acyltransferase; plus strand). Cytogenetic location: 1q32.2.
Variant type: single nucleotide variant.
Coding change: c.1027C>T on transcript NM_018194.6 (MANE Select); coding-DNA position 1027, C replaced by T.
Protein change: p.His343Tyr; replaces histidine 343 with tyrosine.
Molecular consequence: missense variant.
Genome position (GRCh38, 1-based): chr1:210,513,172, C>T. VCF-style: chr1-210513172-C-T. GRCh37 (hg19) VCF-style: chr1-210686516-C-T.
Other names: c.1027C>T, p.His343Tyr (NM_001122834.4, NM_001170580.3); c.616C>T, p.His206Tyr (NM_001170564.3); c.1030C>T, p.His344Tyr (NM_001170587.3); c.832C>T, p.His278Tyr (NM_001170588.3); short protein forms H206Y, H343Y, H278Y, H344Y.
Identifiers: ClinVar variation 1488647 (VCV001488647.4), dbSNP rs1471698324, ClinGen allele CA344865748.